The following is an entry in ClinVar:

ClinVar aggregate classification (germline): Uncertain significance (1 of 4 stars; one submission).

Conditions:
Familial intrahepatic cholestasis. Identifiers: Orphanet 284385, MedGen CN296401, MONDO:0017290.

Submission:

Genomenon, Inc
Classification: Uncertain significance for Familial intrahepatic cholestasis. Last evaluated: 2026-04-14. Review status: criteria provided, single submitter. Criteria: Genomenon Sequence Variant Interpretation Standards - Updated. Collection method: curation. Allele origin: germline. Affected: yes.
Comment: ABCB11 p.Asp676Tyr (c.2026G>T) is a missense variant that changes the amino acid at residue 676 from Aspartic acid to Tyrosine. This variant has been observed in at least one proband with an ABCB11-related disorder (PMID:17264802). Functional studies have been reported (PMID:17264802). It is absent or not present at a significant frequency in gnomAD. In silico models predict that this variant is possibly or probably damaging. In conclusion, we classify ABCB11 p.Asp676Tyr (c.2026G>T) as a variant of uncertain significance.

Literature cited by the submitters: PubMed 17264802.

NM_003742.4(ABCB11):c.2026G>T (p.Asp676Tyr)

Gene: ABCB11 (ATP binding cassette subfamily B member 11; minus strand). Cytogenetic location: 2q31.1.
Variant type: single nucleotide variant.
Coding change: c.2026G>T on transcript NM_003742.4 (MANE Select); coding-DNA position 2026, G replaced by T.
Protein change: p.Asp676Tyr; replaces aspartic acid 676 with tyrosine.
Molecular consequence: missense variant.
Genome position (GRCh38, 1-based): chr2:168,968,476, C>A on the plus strand (G>T on the coding strand, the complement: ABCB11 is on the minus strand). VCF-style: chr2-168968476-C-A. GRCh37 (hg19) VCF-style: chr2-169824986-C-A.
Other names: short protein forms D676Y.
Identifiers: ClinVar variation 4845975 (VCV004845975.1).